The following is an entry in ClinVar:

NC_000022.10:g.(29083975_29085122)_(29085204_29090019)del

Gene: CHEK2 (checkpoint kinase 2; minus strand). Cytogenetic location: 22q12.1.
Variant type: Deletion.
Identifiers: ClinVar variation 1723250 (VCV001723250.2).

ClinVar aggregate classification (germline): Uncertain significance (1 of 4 stars; one submission).

Submission:

Women's Health and Genetics/Laboratory Corporation of America, LabCorp
Classification: Uncertain significance. Last evaluated: 2023-12-15. Review status: criteria provided, single submitter. Criteria: LabCorp Variant Classification Summary - May 2015. Collection method: clinical testing. Allele origin: germline.
Comment: Variant summary: The variant involves the deletion of exon 14 in the CHEK2 gene. A presumed nomenclature of c.(1461+1_1462-1)_(1542+1_1543-1)del has been designated for the purposes of this classification. This Copy Number Variant (CNV) is predicted to result in an in-frame deletion within this gene. The variant was absent in 21694 control chromosomes (gnomAD, structural variants dataset). The available data on variant occurrences in the general population are insufficient to allow any conclusion about variant significance. c.(1461+1_1462-1)_(1542+1_1543-1)del has been reported in the literature in two individuals referred for multigene panel testing for hereditary cancer, however no clinical information was provided (Mu_2019). This report does not provide unequivocal conclusions about association of the variant with Hereditary Breast And Ovarian Cancer Syndrome. To our knowledge, no experimental evidence demonstrating an impact on protein function has been reported. The following publication has been ascertained in the context of this evaluation (PMID: 30563988). One submitter has cited a clinical-significance assessment for this variant to ClinVar after 2014 and has classified the variant as uncertain significance. Based on the evidence outlined above, the variant was classified as uncertain significance.

Literature cited by the submitters: PubMed 30563988.